The following is an entry in ClinVar:

ClinVar aggregate classification (germline): Uncertain significance (1 of 4 stars; one submission).

Conditions:
Episodic ataxia type 1 (EA1). Also called: Episodic ataxia/myokymia syndrome; ATAXIA, EPISODIC, WITH MYOKYMIA; MYOKYMIA WITH PERIODIC ATAXIA; PAROXYSMAL ATAXIA WITH NEUROMYOTONIA, HEREDITARY. Identifiers: Orphanet 37612, Orphanet 972, MedGen C1719788, MONDO:0008047, OMIM 160120.

Submission:

MVZ Medizinische Genetik Mainz
Classification: Uncertain significance for Episodic ataxia type 1. Last evaluated: 2025-09-03. Review status: criteria provided, single submitter. Criteria: UK Practice Guidelines For Variant Classification V4 01 2020. Collection method: clinical testing. Allele origin: germline. Inheritance: Autosomal dominant inheritance. Observed: 1 variant allele.
Comment: ACMG Criteria: PP3_MOD,PM2_SUP,PP2

NM_000217.3(KCNA1):c.1075A>G (p.Ile359Val)

Gene: KCNA1 (potassium voltage-gated channel subfamily A member 1; plus strand). Cytogenetic location: 12p13.32.
Variant type: single nucleotide variant.
Coding change: c.1075A>G on transcript NM_000217.3 (MANE Select); coding-DNA position 1075, A replaced by G.
Protein change: p.Ile359Val; replaces isoleucine 359 with valine.
Molecular consequence: missense variant.
Genome position (GRCh38, 1-based): chr12:4,912,453, A>G. VCF-style: chr12-4912453-A-G. GRCh37 (hg19) VCF-style: chr12-5021619-A-G.
Other names: short protein forms I359V.
Identifiers: ClinVar variation 4277266 (VCV004277266.1).